The following is an entry in ClinVar:

NM_000094.4(COL7A1):c.4590del (p.Gly1531fs)

Gene: COL7A1 (collagen type VII alpha 1 chain; minus strand). Cytogenetic location: 3p21.31.
Variant type: Deletion.
Coding change: c.4590del on transcript NM_000094.4 (MANE Select); coding-DNA position 4590, one base deleted (A; older notation c.4590delA).
Protein change: p.Gly1531fs; shifts the reading frame from glycine 1531.
Molecular consequence: frameshift variant.
Genome position (GRCh38, 1-based): chr3:48,582,487, T deleted on the plus strand (A on the coding strand, the reverse complement: COL7A1 is on the minus strand); the first of 2 consecutive T bases (chr3:48,582,487-48,582,488); deleting either gives the same sequence. VCF-style (leftmost placement, unchanged base first): chr3-48582486-CT-C. GRCh37 (hg19) VCF-style: chr3-48619919-CT-C.
Other names: short protein forms G1531fs.
Identifiers: ClinVar variation 2734520 (VCV002734520.3), dbSNP rs2531123732, ClinGen allele CA2586972287.

ClinVar aggregate classification (germline): Pathogenic (1 of 4 stars; one submission).

Submission:

Labcorp Genetics (formerly Invitae), Labcorp
Classification: Pathogenic. Last evaluated: 2023-09-18. Review status: criteria provided, single submitter. Criteria: Invitae Variant Classification Sherloc (09022015). Collection method: clinical testing. Allele origin: germline.
Comment: This sequence change creates a premature translational stop signal (p.Gly1531Glufs*179) in the COL7A1 gene. It is expected to result in an absent or disrupted protein product. Loss-of-function variants in COL7A1 are known to be pathogenic (PMID: 16971478). This variant is not present in population databases (gnomAD no frequency). This premature translational stop signal has been observed in individual(s) with autosomal recessive epidermolysis bullosa dystrophica (PMID: 19681861). This variant is also known as G1531EfsX177. For these reasons, this variant has been classified as Pathogenic.

Literature cited by the submitters: PubMed 16971478; PubMed 19681861.